The following is an entry in ClinVar:

NM_030962.4(SBF2):c.3976A>C (p.Arg1326=)

Gene: SBF2 (SET binding factor 2; minus strand). Cytogenetic location: 11p15.4.
Variant type: single nucleotide variant.
Coding change: c.3976A>C on transcript NM_030962.4 (MANE Select); coding-DNA position 3976, A replaced by C.
Protein change: p.Arg1326=; no amino-acid change (arginine 1326 retained).
Molecular consequence: synonymous variant.
Genome position (GRCh38, 1-based): chr11:9,816,842, T>G on the plus strand (A>C on the coding strand, the complement: SBF2 is on the minus strand). VCF-style: chr11-9816842-T-G. GRCh37 (hg19) VCF-style: chr11-9838389-T-G.
Other names: c.4072A>C, p.Arg1358= (NM_001386339.1); c.3847A>C, p.Arg1283= (NM_001386342.1).
Identifiers: ClinVar variation 618868 (VCV000618868.8), dbSNP rs928249984, ClinGen allele CA217624436.

ClinVar aggregate classification (germline): Likely benign (1 of 4 stars; one submission).

Allele frequency attached by ClinVar (database versions not stated): gnomAD 0.00001; TOPMed 0.00001.
gnomAD v4.1: 1 of 1,613,950 alleles (0.000062%); highest among the groups gnomAD compares: Non-Finnish European, 0.000085%; no homozygotes.

Submission:

ARUP Laboratories, Molecular Genetics and Genomics, ARUP Laboratories
Classification: Likely benign. Last evaluated: 2018-03-19. Review status: criteria provided, single submitter. Criteria: ARUP Molecular Germline Variant Investigation Process. Collection method: clinical testing. Allele origin: germline.
Comment: The SBF2: p.Arg1326Arg variant (rs928249984) does not alter the amino acid sequence of the SBF2 protein and computational splice site prediction algorithms do not predict a change in the nearest splice site or creation of a cryptic splice site. This variant has not been reported in association with Peripheral neuropathy in medical literature or in gene specific variation databases. It is absent from general population databases such as 1000 Genomes, NHLBI GO Exome Sequencing Project (ESP), and the Genome Aggregation Database (gnomAD). Based on these observations, the p.Arg1326Arg variant is likely to be benign.